The following is an entry in ClinVar:

NM_000368.5(TSC1):c.2498A>G (p.Gln833Arg)

Gene: TSC1 (TSC complex subunit 1; minus strand). Cytogenetic location: 9q34.13.
Variant type: single nucleotide variant.
Coding change: c.2498A>G on transcript NM_000368.5 (MANE Select); coding-DNA position 2498, A replaced by G.
Protein change: p.Gln833Arg; replaces glutamine 833 with arginine.
Molecular consequence: missense variant. On other transcripts: intron variant (8), non-coding transcript variant (5).
Genome position (GRCh38, 1-based): chr9:132,901,593, T>C on the plus strand (A>G on the coding strand, the complement: TSC1 is on the minus strand). VCF-style: chr9-132901593-T-C. GRCh37 (hg19) VCF-style: chr9-135776980-T-C.
Other names: c.2132A>G, p.Gln711Arg (NM_001406623.1, NM_001406620.1, NM_001406621.1 and 1 more transcripts); c.1547A>G, p.Gln516Arg (NM_001406626.1); c.2304+38A>G (NM_001406613.1); c.2457+38A>G (NM_001406609.1, NM_001406608.1); c.2460+38A>G (NM_001406606.1, NM_001406607.1, NM_001406605.1); c.2097+38A>G (NM_001406624.1); c.1544A>G, p.Gln515Arg (NM_001406627.1, NM_001406628.1); c.1445A>G, p.Gln482Arg (NM_001406629.1, NM_001406630.1); and 8 more; short protein forms Q782R, Q832R, Q515R, Q516R, Q712R, Q833R, Q482R, Q711R.
Identifiers: ClinVar variation 3701308 (VCV003701308.3).

ClinVar aggregate classification (germline): Uncertain significance. Review status: criteria provided, multiple submitters, no conflicts (2 of 4 stars). 2 submissions from 2 submitters: Uncertain significance (2). Last evaluated 2025-08-03.

Conditions:
Tuberous sclerosis 1 (TSC1). Identifiers: Orphanet 805, MedGen C1854465, MONDO:0008612, OMIM 191100.

Submissions (2):

Labcorp Genetics (formerly Invitae), Labcorp
Classification: Uncertain significance for Tuberous sclerosis 1. Last evaluated: 2025-08-03. Review status: criteria provided, single submitter. Criteria: Invitae Variant Classification Sherloc (09022015). Collection method: clinical testing. Allele origin: germline.
Comment: This sequence change replaces glutamine, which is neutral and polar, with arginine, which is basic and polar, at codon 833 of the TSC1 protein (p.Gln833Arg). This variant is not present in population databases (gnomAD no frequency). This variant has not been reported in the literature in individuals affected with TSC1-related conditions. ClinVar contains an entry for this variant (Variation ID: 3701308). Invitae Evidence Modeling of protein sequence and biophysical properties (such as structural, functional, and spatial information, amino acid conservation, physicochemical variation, residue mobility, and thermodynamic stability) indicates that this missense variant is not expected to disrupt TSC1 protein function with a negative predictive value of 95%. In summary, the available evidence is currently insufficient to determine the role of this variant in disease. Therefore, it has been classified as a Variant of Uncertain Significance.

Blueprint Genetics
Classification: Uncertain significance. Last evaluated: 2024-08-30. Review status: criteria provided, single submitter. Criteria: ACMG Guidelines, 2015. Collection method: clinical testing. Allele origin: germline.